The following is an entry in ClinVar:

ClinVar aggregate classification (germline): Likely benign. Review status: criteria provided, single submitter (1 of 4 stars). 2 submissions from 2 submitters: Likely benign (1). 1 of the submissions does not count toward it. Last evaluated 2024-12-24.

Conditions:
Spermatogenic failure 18. Identifiers: MedGen C4539783, MONDO:0054615, OMIM 617576.
Ciliary dyskinesia, primary, 37 (CILD37). Also called: CILIARY DYSKINESIA, PRIMARY, 37, WITH OR WITHOUT SITUS INVERSUS. Identifiers: MedGen C4539798, MONDO:0033204, OMIM 617577.
DNAH1-related disorder. Also called: DNAH1-related condition.

Allele frequency attached by ClinVar (database versions not stated): gnomAD exomes 0.00001 and 0.00002; TOPMed 0.00001.
gnomAD v4.1: 22 of 1,614,020 alleles (0.0014%); highest among the groups gnomAD compares: Middle Eastern, 0.033%; no homozygotes.

Submissions (2):

Labcorp Genetics (formerly Invitae), Labcorp
Classification: Likely benign for Ciliary dyskinesia, primary, 37; Spermatogenic failure 18. Last evaluated: 2024-12-24. Review status: criteria provided, single submitter. Criteria: Invitae Variant Classification Sherloc (09022015). Collection method: clinical testing. Allele origin: germline.

PreventionGenetics, part of Exact Sciences
Classification: Likely benign for DNAH1-related condition. Last evaluated: 2019-07-12. Review status: no assertion criteria provided. Collection method: clinical testing. Allele origin: germline. Not counted in ClinVar's aggregate classification.
Comment: This variant is classified as likely benign based on ACMG/AMP sequence variant interpretation guidelines (Richards et al. 2015 PMID: 25741868, with internal and published modifications).

NM_015512.5(DNAH1):c.1335T>C (p.Tyr445=)

Gene: DNAH1 (dynein axonemal heavy chain 1; plus strand). Cytogenetic location: 3p21.1.
Variant type: single nucleotide variant.
Coding change: c.1335T>C on transcript NM_015512.5 (MANE Select); coding-DNA position 1335, T replaced by C.
Protein change: p.Tyr445=; no amino-acid change (tyrosine 445 retained).
Molecular consequence: synonymous variant.
Genome position (GRCh38, 1-based): chr3:52,344,538, T>C. VCF-style: chr3-52344538-T-C. GRCh37 (hg19) VCF-style: chr3-52378554-T-C.
Identifiers: ClinVar variation 544645 (VCV000544645.13), dbSNP rs868394302, ClinGen allele CA74737000.
Genomic context (GRCh38, chr3:52,344,538, plus strand): 5'-CTCTATGGGCAGGGTTCTAGAGCACCTCAGCAGTCTTGCCAGAGAAGTGAGCCTGGACTA[T>C]GAGCGCAGCATGAACAAGATCAACTTTGACCACGTTGTCTCTTCCAAGCCCGAGACCTTC-3'
Protein context (NP_056327.4, residues 435-455): SSLAREVSLD[Tyr445=]ERSMNKINFD